The following is an entry in ClinVar:

NM_020751.3(COG6):c.1075-92_1075-6del

Gene: COG6 (component of oligomeric golgi complex 6; plus strand). Cytogenetic location: 13q14.11.
Variant type: Deletion.
Coding change: c.1075-92_1075-6del on transcript NM_020751.3 (MANE Select); 92 bases into the intron before coding-DNA position 1075 through 6 bases into the intron before coding-DNA position 1075, 87 bases deleted.
Molecular consequence: intron variant.
Genome position (GRCh38, 1-based): chr13:39,694,542-39,694,628, 87 bases deleted. GRCh37 (hg19): chr13:40,268,679-40,268,765.
Other names: c.1075-92_1075-6del (NM_001145079.2).
Identifiers: ClinVar variation 4993599 (VCV004993599.1).

ClinVar aggregate classification (germline): Uncertain significance (1 of 4 stars; one submission).

Conditions:
COG6-related disorder.

Submission:

PreventionGenetics, part of Exact Sciences
Classification: Uncertain significance for COG6-related condition. Last evaluated: 2026-04-06. Review status: criteria provided, single submitter. Criteria: ACMG Guidelines, 2015. Collection method: clinical testing. Allele origin: germline.
Comment: The COG6 c.1075-92_1075-6del87 variant is predicted to result in an intronic deletion. To our knowledge, this variant has not been reported in the literature or in a large population database (gnomAD), indicating this variant is rare. This variant is predicted to alter splicing based on available splicing prediction programs (Alamut Visual v1.13). However, the use of computer prediction programs is not equivalent to functional evidence. At this time, the clinical significance of this variant is uncertain due to the absence of conclusive functional and genetic evidence.